The following is an entry in ClinVar:

ClinVar aggregate classification (germline): Likely benign. Review status: criteria provided, multiple submitters, no conflicts (2 of 4 stars). 3 submissions from 3 submitters: Likely benign (2). 1 of the submissions does not count toward it. Last evaluated 2025-05-28.

Conditions:
LTBP3-related disorder. Also called: LTBP3-related condition.
Brachyolmia-amelogenesis imperfecta syndrome. Also called: Tooth agenesis, selective, 6; Dental anomalies and short stature; PLATYSPONDYLY WITH AMELOGENESIS IMPERFECTA. Identifiers: Orphanet 2899, MedGen C1832594, MONDO:0011018, OMIM 601216. Disease mechanism: loss of function.
Inborn genetic diseases. Identifiers: MedGen C0950123, MeSH D030342.

Allele frequency attached by ClinVar (database versions not stated): TOPMed 0.00001; gnomAD exomes 0.00003; gnomAD 0.00003.
gnomAD v4.1: 37 of 1,519,114 alleles (0.0024%); highest among the groups gnomAD compares: Non-Finnish European, 0.0033%; no homozygotes.

Submissions (3):

Labcorp Genetics (formerly Invitae), Labcorp
Classification: Likely benign for Brachyolmia-amelogenesis imperfecta syndrome. Last evaluated: 2025-05-28. Review status: criteria provided, single submitter. Criteria: Invitae Variant Classification Sherloc (09022015). Collection method: clinical testing. Allele origin: germline.

Ambry Genetics
Classification: Likely benign for Inborn genetic diseases. Last evaluated: 2019-08-20. Review status: criteria provided, single submitter. Criteria: Ambry Variant Classification Scheme 2023. Collection method: clinical testing. Allele origin: germline.

PreventionGenetics, part of Exact Sciences
Classification: Likely benign for LTBP3-related condition. Last evaluated: 2023-05-01. Review status: no assertion criteria provided. Collection method: clinical testing. Allele origin: germline. Not counted in ClinVar's aggregate classification.
Comment: This variant is classified as likely benign based on ACMG/AMP sequence variant interpretation guidelines (Richards et al. 2015 PMID: 25741868, with internal and published modifications).

NM_001130144.3(LTBP3):c.153A>G (p.Ala51=)

Gene: LTBP3 (latent transforming growth factor beta binding protein 3; minus strand). Cytogenetic location: 11q13.1.
Variant type: single nucleotide variant.
Coding change: c.153A>G on transcript NM_001130144.3 (MANE Select); coding-DNA position 153, A replaced by G.
Protein change: p.Ala51=; no amino-acid change (alanine 51 retained).
Molecular consequence: synonymous variant. On other transcripts: 5 prime UTR variant (1).
Genome position (GRCh38, 1-based): chr11:65,557,807, T>C on the plus strand (A>G on the coding strand, the complement: LTBP3 is on the minus strand). VCF-style: chr11-65557807-T-C. GRCh37 (hg19) VCF-style: chr11-65325278-T-C.
Other names: c.-195A>G (NM_001164266.1); c.153A>G, p.Ala51= (NM_021070.4).
Identifiers: ClinVar variation 1774787 (VCV001774787.7), dbSNP rs1403186737, ClinGen allele CA475040199.